The following is an entry in ClinVar:

ClinVar aggregate classification (germline): Uncertain significance. Review status: criteria provided, multiple submitters, no conflicts (2 of 4 stars). 6 submissions from 6 submitters: Uncertain significance (6). Last evaluated 2026-08-07.

Conditions:
PLEC-related disorder. Also called: PLEC-related disorders; PLEC-related condition.
Autosomal recessive limb-girdle muscular dystrophy type 2Q (LGMDR17). Also called: MUSCULAR DYSTROPHY, LIMB-GIRDLE, AUTOSOMAL RECESSIVE 17. Identifiers: Orphanet 254361, MedGen C3150989, MONDO:0013390, OMIM 613723.
Epidermolysis bullosa simplex 5B, with muscular dystrophy (EBS5B). Also called: EPIDERMOLYSIS BULLOSA SIMPLEX AND LIMB-GIRDLE MUSCULAR DYSTROPHY; Epidermolysis bullosa simplex with muscular dystrophy. Identifiers: Orphanet 257, MedGen C2931072, MONDO:0009181, OMIM 226670.
Epidermolysis bullosa simplex, Ogna type (EBS5A). Also called: Pidermolysis bullosa simplex 5A, Ogna type; EPIDERMOLYSIS BULLOSA SIMPLEX 5A, OGNA TYPE. Identifiers: Orphanet 79401, MedGen C0432317, MONDO:0007555, OMIM 131950.
Epidermolysis bullosa simplex 5C, with pyloric atresia (EBS5C). Also called: PLEC-Related Epidermolysis Bullosa with Pyloric Atresia; Epidermolysis bullosa simplex with pyloric atresia; PLEC1-Related Epidermolysis Bullosa with Pyloric Atresia. Identifiers: Orphanet 158684, MedGen C2677349, MONDO:0012807, OMIM 612138.
Epidermolysis bullosa simplex with nail dystrophy (EBS5D). Identifiers: MedGen C4225309, MONDO:0014661, OMIM 616487.
Inborn genetic diseases. Identifiers: MedGen C0950123, MeSH D030342.

Allele frequency attached by ClinVar (database versions not stated): TOPMed 0.00014; 1000 Genomes Project 0.00020; 1000 Genomes Project 30x 0.00047; gnomAD exomes 0.00003 and 0.00006; ExAC 0.00006; gnomAD 0.00009.
gnomAD v4.1: 52 of 1,584,018 alleles (0.0033%); highest among the groups gnomAD compares: African/African-American, 0.022%; no homozygotes.

Submissions (6):

PreventionGenetics, part of Exact Sciences
Classification: Uncertain significance for PLEC-related condition. Last evaluated: 2026-08-07. Review status: criteria provided, single submitter. Criteria: ACMG Guidelines, 2015. Collection method: clinical testing. Allele origin: germline.
Comment: The PLEC c.10285G>A variant is predicted to result in the amino acid substitution p.Val3429Met. To our knowledge, this variant has not been reported in the literature. This variant is reported in 0.049% of alleles in individuals of African descent in gnomAD. At this time, the clinical significance of this variant is uncertain due to the absence of conclusive functional and genetic evidence.

Labcorp Genetics (formerly Invitae), Labcorp
Classification: Uncertain significance for Autosomal recessive limb-girdle muscular dystrophy type 2Q; Epidermolysis bullosa simplex, Ogna type; Epidermolysis bullosa simplex with nail dystrophy; Epidermolysis bullosa simplex 5C, with pyloric atresia; Epidermolysis bullosa simplex 5B, with muscular dystrophy. Last evaluated: 2025-12-22. Review status: criteria provided, single submitter. Criteria: Invitae Variant Classification Sherloc (09022015). Collection method: clinical testing. Allele origin: germline.
Comment: This sequence change replaces valine, which is neutral and non-polar, with methionine, which is neutral and non-polar, at codon 3429 of the PLEC protein (p.Val3429Met). This variant is present in population databases (rs561251865, gnomAD 0.05%). This variant has not been reported in the literature in individuals affected with PLEC-related conditions. ClinVar contains an entry for this variant (Variation ID: 581819). Invitae Evidence Modeling of protein sequence and biophysical properties (such as structural, functional, and spatial information, amino acid conservation, physicochemical variation, residue mobility, and thermodynamic stability) indicates that this missense variant is not expected to disrupt PLEC protein function with a negative predictive value of 80%. In summary, the available evidence is currently insufficient to determine the role of this variant in disease. Therefore, it has been classified as a Variant of Uncertain Significance.

Blueprint Genetics
Classification: Uncertain significance. Last evaluated: 2024-10-29. Review status: criteria provided, single submitter. Criteria: ACMG Guidelines, 2015. Collection method: clinical testing. Allele origin: germline.

CeGaT Center for Human Genetics Tuebingen
Classification: Uncertain significance. Last evaluated: 2024-06-01. Review status: criteria provided, single submitter. Criteria: CeGaT Center For Human Genetics Tuebingen Variant Classification Criteria Version 2. Collection method: clinical testing. Allele origin: germline. Affected: yes. Observed: 1 variant allele.

Ambry Genetics
Classification: Uncertain significance for Inborn genetic diseases. Last evaluated: 2021-07-27. Review status: criteria provided, single submitter. Criteria: Ambry Variant Classification Scheme 2023. Collection method: clinical testing. Allele origin: germline.

Revvity Omics, Revvity
Classification: Uncertain significance. Last evaluated: 2020-02-04. Review status: criteria provided, single submitter. Criteria: ACMG Guidelines, 2015. Collection method: clinical testing. Allele origin: germline.

NM_201384.3(PLEC):c.10204G>A (p.Val3402Met)

Gene: PLEC (plectin; minus strand). Cytogenetic location: 8q24.3.
Variant type: single nucleotide variant.
Coding change: c.10204G>A on transcript NM_201384.3 (MANE Select); coding-DNA position 10204, G replaced by A.
Protein change: p.Val3402Met; replaces valine 3402 with methionine.
Molecular consequence: missense variant.
Genome position (GRCh38, 1-based): chr8:143,919,617, C>T on the plus strand (G>A on the coding strand, the complement: PLEC is on the minus strand). VCF-style: chr8-143919617-C-T. GRCh37 (hg19) VCF-style: chr8-144993785-C-T.
Other names: c.10285G>A, p.Val3429Met (NM_000445.5); c.10162G>A, p.Val3388Met (NM_201378.4); c.10138G>A, p.Val3380Met (NM_201379.3); c.10615G>A, p.Val3539Met (NM_201380.4); c.10108G>A, p.Val3370Met (NM_201381.3); c.10204G>A, p.Val3402Met (NM_201382.4); c.10216G>A, p.Val3406Met (NM_201383.3); c.10285G>A (NM_000445.3); short protein forms V3380M, V3402M, V3429M, V3388M, V3406M, V3370M, V3539M.
Identifiers: ClinVar variation 581819 (VCV000581819.33), dbSNP rs561251865, ClinGen allele CA4924725.